The following is an entry in ClinVar:

NM_000554.6(CRX):c.592del (p.Ala198fs)

Gene: CRX (cone-rod homeobox; plus strand). Cytogenetic location: 19q13.33.
Variant type: Deletion.
Coding change: c.592del on transcript NM_000554.6 (MANE Select); coding-DNA position 592, one base deleted (G; older notation c.592delG).
Protein change: p.Ala198fs; shifts the reading frame from alanine 198.
Molecular consequence: frameshift variant.
Genome position (GRCh38, 1-based): chr19:47,839,659, G deleted; the last of 2 consecutive G bases (chr19:47,839,658-47,839,659); deleting either gives the same sequence. VCF-style (leftmost placement, unchanged base first): chr19-47839657-CG-C. GRCh37 (hg19) VCF-style: chr19-48342914-CG-C.
Other names: short protein forms A198fs.
Identifiers: ClinVar variation 1043624 (VCV001043624.8), dbSNP rs1968169272, ClinGen allele CA2339609221.

ClinVar aggregate classification (germline): Pathogenic (1 of 4 stars; one submission).

Conditions:
Leber congenital amaurosis 7 (LCA7). Identifiers: Orphanet 65, MedGen C3151192, MONDO:0013449, OMIM 613829.
Cone-rod dystrophy 2 (CORD2). Also called: CONE-ROD RETINAL DYSTROPHY; Cone-rod retinal dystrophy 2. Identifiers: Orphanet 1872, MedGen C3489532, MONDO:0007362, OMIM 120970.

Submission:

Labcorp Genetics (formerly Invitae), Labcorp
Classification: Pathogenic for Cone-rod dystrophy 2; Leber congenital amaurosis 7. Last evaluated: 2024-04-17. Review status: criteria provided, single submitter. Criteria: Invitae Variant Classification Sherloc (09022015). Collection method: clinical testing. Allele origin: germline.
Comment: This sequence change creates a premature translational stop signal (p.Ala198Profs*21) in the CRX gene. While this is not anticipated to result in nonsense mediated decay, it is expected to disrupt the last 102 amino acid(s) of the CRX protein. This variant is not present in population databases (gnomAD no frequency). This premature translational stop signal has been observed in individual(s) with clinical features of an inherited retinal dystrophy (Invitae). ClinVar contains an entry for this variant (Variation ID: 1043624). This variant disrupts a region of the CRX protein in which other variant(s) (p.Tyr258*) have been determined to be pathogenic (PMID: 22968130, 25270190). This suggests that this is a clinically significant region of the protein, and that variants that disrupt it are likely to be disease-causing. For these reasons, this variant has been classified as Pathogenic.

Literature cited by the submitters: PubMed 22968130; PubMed 25270190.